The following is an entry in ClinVar:

NM_001999.4(FBN2):c.7594+2T>C

Gene: FBN2 (fibrillin 2; minus strand). Cytogenetic location: 5q23.3.
Variant type: single nucleotide variant.
Coding change: c.7594+2T>C on transcript NM_001999.4 (MANE Select); the canonical splice donor site of the intron after coding-DNA position 7594, T replaced by C.
Molecular consequence: splice donor variant.
Genome position (GRCh38, 1-based): chr5:128,276,036, A>G on the plus strand (T>C on the coding strand, the complement: FBN2 is on the minus strand). VCF-style: chr5-128276036-A-G. GRCh37 (hg19) VCF-style: chr5-127611728-A-G.
Identifiers: ClinVar variation 3251596 (VCV003251596.5), dbSNP rs2479643742.
Genomic context (GRCh38, chr5:128,276,036, plus strand): 5'-TATTTAAATTTGAAAGAAAAGATACAGACTAGGGTCACGATTGTCAGAGACTCTTCACTC[A>G]CCTTTGCATGTCTTTCCATCCTCTTGCAGGACATACCCCCTCGGACATGAACACTGATAA-3'

ClinVar aggregate classification (germline): Uncertain significance. Review status: criteria provided, multiple submitters, no conflicts (2 of 4 stars). 2 submissions from 2 submitters: Uncertain significance (2). Last evaluated 2025-12-28.

Conditions:
Congenital contractural arachnodactyly (CCA). Also called: Beals-Hecht syndrome; Arthrogryposis, distal, type 9; BEALS SYNDROME. Identifiers: Orphanet 115, MedGen C0220668, MONDO:0007363, OMIM 121050.

Allele frequency attached by ClinVar (database versions not stated): gnomAD exomes below 0.00001.
gnomAD v4.1: 1 of 1,613,686 alleles (0.000062%); highest among the groups gnomAD compares: Admixed American, 0.0017%; no homozygotes.

Submissions (2):

Women's Health and Genetics/Laboratory Corporation of America, LabCorp
Classification: Uncertain significance. Last evaluated: 2025-12-28. Review status: criteria provided, single submitter. Criteria: LabCorp Variant Classification Summary - May 2015. Collection method: clinical testing. Allele origin: germline.
Comment: Variant summary: FBN2 c.7594+2T>C is located in a canonical splice-site and is predicted to affect mRNA splicing resulting in a significantly altered protein due to either exon skipping, shortening, or inclusion of intronic material. Variants that disrupt the consensus splice site are a relatively common cause of aberrant splicing, however current evidence is not sufficient to establish loss of function as a mechanism for disease. Several computational tools predict a significant impact on normal splicing: Three predict the variant abolishes the canonical 5' splicing donor site. However, these predictions have yet to be confirmed by functional studies. The variant was absent in 251020 control chromosomes. The available data on variant occurrences in the general population are insufficient to allow any conclusion about variant significance. To our knowledge, no occurrence of c.7594+2T>C in individuals affected with FBN2-related conditions and no experimental evidence demonstrating its impact on protein function have been reported. ClinVar contains an entry for this variant (Variation ID: 3251596). Based on the evidence outlined above, the variant was classified as uncertain significance.

Labcorp Genetics (formerly Invitae), Labcorp
Classification: Uncertain significance for Congenital contractural arachnodactyly. Last evaluated: 2025-12-22. Review status: criteria provided, single submitter. Criteria: Invitae Variant Classification Sherloc (09022015). Collection method: clinical testing. Allele origin: germline.
Comment: This sequence change affects a donor splice site in intron 59 of the FBN2 gene. It is expected to disrupt RNA splicing. Variants that disrupt the donor or acceptor splice site typically lead to a loss of protein function (PMID: 16199547), however the current clinical and genetic evidence is not sufficient to establish whether loss-of-function variants in FBN2 cause disease. This variant is not present in population databases (gnomAD no frequency). This variant has not been reported in the literature in individuals affected with FBN2-related conditions. ClinVar contains an entry for this variant (Variation ID: 3251596). Algorithms developed to predict the effect of sequence changes on RNA splicing suggest that this variant may disrupt the consensus splice site. In summary, the available evidence is currently insufficient to determine the role of this variant in disease. Therefore, it has been classified as a Variant of Uncertain Significance.

Literature cited by the submitters: PubMed 16199547 (cited by Labcorp Genetics (formerly Invitae), Labcorp).